The following is an entry in ClinVar:

ClinVar aggregate classification (germline): Pathogenic. Review status: criteria provided, multiple submitters, no conflicts (2 of 4 stars). 7 submissions from 7 submitters: Pathogenic (7). Last evaluated 2026-06-02.

Conditions:
MYBPC3-related disorder. Also called: MYBPC3-related disorders; MYBPC3-related condition; MYBPC3-related disease.
Cardiomyopathy (CMYO). Also called: Cardiomyopathies. Identifiers: Orphanet 167848, MedGen C0878544, MONDO:0004994, HP:0001638. Inheritance: Various modes of inheritance.
Hypertrophic cardiomyopathy 4. Also called: Familial hypertrophic cardiomyopathy 4. Identifiers: MedGen C1861862, MONDO:0007268, OMIM 115197.
Hypertrophic cardiomyopathy. Also called: HYPERTROPHIC MYOCARDIOPATHY. Identifiers: Orphanet 217569, MedGen C0007194, MeSH D002312, MONDO:0005045, HP:0001639.

Allele frequency attached by ClinVar (database versions not stated): gnomAD exomes below 0.00001.
gnomAD v4.1: 1 of 1,613,686 alleles (0.000062%); highest among the groups gnomAD compares: Non-Finnish European, 0.000085%; no homozygotes.

Submissions (7):

Victorian Clinical Genetics Services, Murdoch Childrens Research Institute
Classification: Pathogenic for Hypertrophic cardiomyopathy 4. Last evaluated: 2026-06-02. Review status: criteria provided, single submitter. Criteria: ACMG Guidelines, 2015. Collection method: clinical testing. Allele origin: germline.
Comment: This variant is classified as Pathogenic. Evidence in support of pathogenic classification: Variant is predicted to cause nonsense-mediated decay (NMD) and loss of protein (premature termination codon is located at least 54 nucleotides upstream of the final exon-exon junction); Variant is present in gnomAD <0.01 (v4: 1 heterozygote(s), 0 homozygote(s)); This variant has strong previous evidence of pathogenicity in unrelated individuals. This variant has been classified as pathogenic by clinical laboratories in ClinVar; Other NMD-predicted variant(s) comparable to the one identified in this case have very strong previous evidence for pathogenicity (DECIPHER). Additional information: This variant is heterozygous; This gene is associated with both recessive and dominant disease. Dominant inheritance is frequently reported in adult onset conditions and recessive inheritance results in a more severe early onset phenotype (OMIM). Association to recessive disease is currently rated as limited by ClinGen; Loss of function is a known mechanism of disease in this gene and is associated with hypertrophic cardiomyopathy 4 (HCM; MIM#115197); Variants in this gene are known to have variable expressivity (PMID: 32841044); Inheritance information for this variant is not currently available in this individual.

Labcorp Genetics (formerly Invitae), Labcorp
Classification: Pathogenic for Hypertrophic cardiomyopathy. Last evaluated: 2025-12-02. Review status: criteria provided, single submitter. Criteria: Invitae Variant Classification Sherloc (09022015). Collection method: clinical testing. Allele origin: germline.
Comment: This sequence change creates a premature translational stop signal (p.Glu728*) in the MYBPC3 gene. It is expected to result in an absent or disrupted protein product. Loss-of-function variants in MYBPC3 are known to be pathogenic (PMID: 19574547). This variant is not present in population databases (gnomAD no frequency). This premature translational stop signal has been observed in individual(s) with clinical features of hypertrophic cardiomyopathy (PMID: 27532257). ClinVar contains an entry for this variant (Variation ID: 42605). For these reasons, this variant has been classified as Pathogenic.

GeneDx
Classification: Pathogenic. Last evaluated: 2023-06-12. Review status: criteria provided, single submitter. Criteria: GeneDx Variant Classification Process June 2021. Collection method: clinical testing. Allele origin: germline. Affected: yes.
Comment: Nonsense variant predicted to result in protein truncation or nonsense mediated decay in a gene for which loss of function is a known mechanism of disease; Identified in patients with HCM referred for genetic testing at GeneDx and in published literature (Forleo et al., 2017; Walsh et al., 2017; Weissler-Snir et al., 2017; Robyns et al., 2020; Park et al., 2022); at least one patient harbored an additional cardiogenetic variant; Identified in a patient with fetal cardiomyopathy who also harbored another pathogenic variant in the MYBPC3 gene, though phase was unknown (Trakmulkichkarn et al., 2022); both MYBPC3 variants were identified in this individual's sibling who died of SIDS with cardiac enlargement; Not observed at significant frequency in large population cohorts (gnomAD); This variant is associated with the following publications: (PMID: 24810389, 27532257, 34542152, 28193612, 19574547, 28750076, 31513939, 34159662)

Blueprint Genetics
Classification: Pathogenic for MYBPC3-related disorders. Last evaluated: 2019-12-17. Review status: criteria provided, single submitter. Criteria: ACMG Guidelines, 2015. Collection method: clinical testing. Allele origin: germline. Affected: yes. Observed: 5 variant alleles.

CHEO Genetics Diagnostic Laboratory, Children's Hospital of Eastern Ontario
Classification: Pathogenic for Cardiomyopathy. Last evaluated: 2019-08-27. Review status: criteria provided, single submitter. Criteria: ACMG Guidelines, 2015. Collection method: clinical testing. Allele origin: germline.

Center for Human Genetics, University of Leuven
Classification: Pathogenic for Hypertrophic cardiomyopathy. Last evaluated: 2018-10-31. Review status: criteria provided, single submitter. Criteria: ACMG Guidelines, 2015. Collection method: clinical testing. Allele origin: germline. Affected: yes.

Laboratory for Molecular Medicine, Mass General Brigham Personalized Medicine
Classification: Pathogenic for Hypertrophic cardiomyopathy. Last evaluated: 2018-06-04. Review status: criteria provided, single submitter. Criteria: LMM Criteria. Collection method: clinical testing. Allele origin: germline. Inheritance: Autosomal dominant inheritance. Observed: 11 variant alleles.
Comment: The p.Glu728X variant in MYBPC3 has been identified in 3 individuals with HCM an d segregated with disease in 3 affected relatives (LMM data). It was absent from large population databases. This nonsense variant leads to a premature terminat ion codon at position 728, which is predicted to lead to a truncated or absent p rotein. Heterozygous loss of function of the MYBPC3 gene is an established disea se mechanism in HCM. In summary, this variant meets our criteria to be classifie d as pathogenic based on predicted impact on the protein, absence from controls, case observations, and segregation in affected family members. ACMG/AMP Criteri a applied: PVS1, PM2, PP1, PS4_Supporting.

Literature cited by the submitters: PubMed 32841044 (cited by Victorian Clinical Genetics Services, Murdoch Childrens Research Institute); PubMed 19574547 (cited by Labcorp Genetics (formerly Invitae), Labcorp); PubMed 27532257 (cited by Labcorp Genetics (formerly Invitae), Labcorp and Laboratory for Molecular Medicine, Mass General Brigham Personalized Medicine); PubMed 24810389 (cited by Laboratory for Molecular Medicine, Mass General Brigham Personalized Medicine).

NM_000256.3(MYBPC3):c.2182G>T (p.Glu728Ter)

Gene: MYBPC3 (myosin binding protein C3; minus strand). Cytogenetic location: 11p11.2.
Variant type: single nucleotide variant.
Coding change: c.2182G>T on transcript NM_000256.3 (MANE Select); coding-DNA position 2182, G replaced by T.
Protein change: p.Glu728Ter; replaces glutamic acid 728 with a stop codon.
Molecular consequence: nonsense.
Genome position (GRCh38, 1-based): chr11:47,338,646, C>A on the plus strand (G>T on the coding strand, the complement: MYBPC3 is on the minus strand). VCF-style: chr11-47338646-C-A. GRCh37 (hg19) VCF-style: chr11-47360197-C-A.
Other names: p.E728*:GAG>TAG; short protein forms E728*.
Identifiers: ClinVar variation 42605 (VCV000042605.21), dbSNP rs397515954, ClinGen allele CA011848.
Genomic context (GRCh38, chr11:47,338,646, plus strand): 5'-CGCCCTCATCTTCCTTCTCTGCCCCCTCGACCGTGAAGATGCTGCGGTCCTTGGTGGTCT[C>A]CACGCGGACCCGGCCCTCGGTCTCACACAGCAGCTGGGGGGGTGCAGAGTTGGGGTGAGA-3'